The following is an entry in ClinVar:

NM_004656.4(BAP1):c.1432G>A (p.Val478Met)

Gene: BAP1 (BRCA1 associated deubiquitinase 1; minus strand). Cytogenetic location: 3p21.1.
Variant type: single nucleotide variant.
Coding change: c.1432G>A on transcript NM_004656.4 (MANE Select); coding-DNA position 1432, G replaced by A.
Protein change: p.Val478Met; replaces valine 478 with methionine.
Molecular consequence: missense variant.
Genome position (GRCh38, 1-based): chr3:52,403,713, C>T on the plus strand (G>A on the coding strand, the complement: BAP1 is on the minus strand). VCF-style: chr3-52403713-C-T. GRCh37 (hg19) VCF-style: chr3-52437729-C-T.
Other names: c.1432G>A (NM_004656.2); short protein forms V478M.
Identifiers: ClinVar variation 630728 (VCV000630728.11), dbSNP rs1559586864, ClinGen allele CA353101364.

ClinVar aggregate classification (germline): Uncertain significance. Review status: criteria provided, multiple submitters, no conflicts (2 of 4 stars). 4 submissions from 4 submitters: Uncertain significance (4). Last evaluated 2023-12-05.

Conditions:
BAP1-related tumor predisposition syndrome (TPDS1). Also called: Tumor susceptibility linked to germline BAP1 mutations; BAP1 tumor predisposition syndrome; COMMON Syndrome; TUMOR PREDISPOSITION SYNDROME 1. Identifiers: Orphanet 289539, MedGen C3280492, MONDO:0013692, OMIM 614327.
Hereditary cancer-predisposing syndrome. Also called: Tumor predisposition; Neoplastic Syndromes, Hereditary; Hereditary neoplastic syndrome; Hereditary Cancer Syndrome. Identifiers: Orphanet 140162, MedGen C0027672, MeSH D009386, MONDO:0015356.

Allele frequency attached by ClinVar (database versions not stated): TOPMed below 0.00001.

Submissions (4):

Color Diagnostics, LLC DBA Color Health
Classification: Uncertain significance for Hereditary cancer-predisposing syndrome. Last evaluated: 2023-12-05. Review status: criteria provided, single submitter. Criteria: ACMG Guidelines, 2015. Collection method: clinical testing. Allele origin: germline.
Comment: This missense variant replaces valine with methionine at codon 478 of the BAP1 protein. Computational prediction suggests that this variant may not impact protein structure and function (internally defined REVEL score threshold <= 0.5, PMID: 27666373). To our knowledge, functional studies have not been reported for this variant. This variant has not been reported in individuals affected with BAP1-related disorders in the literature. This variant has not been identified in the general population by the Genome Aggregation Database (gnomAD). The available evidence is insufficient to determine the role of this variant in disease conclusively. Therefore, this variant is classified as a Variant of Uncertain Significance.

Baylor Genetics
Classification: Uncertain significance for BAP1-related tumor predisposition syndrome. Last evaluated: 2023-10-18. Review status: criteria provided, single submitter. Criteria: ACMG Guidelines, 2015. Collection method: clinical testing. Allele origin: unknown.

Ambry Genetics
Classification: Uncertain significance for Hereditary cancer-predisposing syndrome. Last evaluated: 2023-09-12. Review status: criteria provided, single submitter. Criteria: Ambry Variant Classification Scheme 2023. Collection method: clinical testing. Allele origin: germline.
Comment: The p.V478M variant (also known as c.1432G>A), located in coding exon 13 of the BAP1 gene, results from a G to A substitution at nucleotide position 1432. The valine at codon 478 is replaced by methionine, an amino acid with highly similar properties. This amino acid position is conserved. In addition, this alteration is predicted to be tolerated by in silico analysis. Since supporting evidence is limited at this time, the clinical significance of this alteration remains unclear.

Labcorp Genetics (formerly Invitae), Labcorp
Classification: Uncertain significance for BAP1-related tumor predisposition syndrome. Last evaluated: 2022-12-08. Review status: criteria provided, single submitter. Criteria: Invitae Variant Classification Sherloc (09022015). Collection method: clinical testing. Allele origin: germline.
Comment: This sequence change replaces valine, which is neutral and non-polar, with methionine, which is neutral and non-polar, at codon 478 of the BAP1 protein (p.Val478Met). This variant is not present in population databases (gnomAD no frequency). This variant has not been reported in the literature in individuals affected with BAP1-related conditions. ClinVar contains an entry for this variant (Variation ID: 630728). Advanced modeling of protein sequence and biophysical properties (such as structural, functional, and spatial information, amino acid conservation, physicochemical variation, residue mobility, and thermodynamic stability) performed at Invitae indicates that this missense variant is not expected to disrupt BAP1 protein function. In summary, the available evidence is currently insufficient to determine the role of this variant in disease. Therefore, it has been classified as a Variant of Uncertain Significance.